The following is an entry in ClinVar:

NM_001130438.3(SPTAN1):c.2557G>A (p.Glu853Lys)

Gene: SPTAN1 (spectrin alpha, non-erythrocytic 1; plus strand). Cytogenetic location: 9q34.11.
Variant type: single nucleotide variant.
Coding change: c.2557G>A on transcript NM_001130438.3 (MANE Select); coding-DNA position 2557, G replaced by A.
Protein change: p.Glu853Lys; replaces glutamic acid 853 with lysine.
Molecular consequence: missense variant.
Genome position (GRCh38, 1-based): chr9:128,584,840, G>A. VCF-style: chr9-128584840-G-A. GRCh37 (hg19) VCF-style: chr9-131347119-G-A.
Other names: p.Glu853Lys; c.2557G>A, p.Glu853Lys (NM_001195532.2, NM_001363759.2, NM_001363765.2 and 5 more transcripts); c.2593G>A, p.Glu865Lys (NM_001375312.2, NM_001375318.1); short protein forms E865K, E853K.
Identifiers: ClinVar variation 849192 (VCV000849192.11), dbSNP rs771925044, ClinGen allele CA5264662.

ClinVar aggregate classification (germline): Uncertain significance. Review status: criteria provided, multiple submitters, no conflicts (2 of 4 stars). 2 submissions from 2 submitters: Uncertain significance (2). Last evaluated 2024-10-17.

Conditions:
Early-infantile DEE. Also called: Ohtahara syndrome; Early infantile epileptic encephalopathy with suppression bursts; Early infantile epileptic encephalopathy. Identifiers: Orphanet 1934, MedGen C0393706, MONDO:0800491.

Allele frequency attached by ClinVar (database versions not stated): ExAC 0.00001; gnomAD 0.00001; gnomAD exomes 0.00001 and 0.00002; TOPMed 0.00002.
gnomAD v4.1: 22 of 1,614,078 alleles (0.0014%); highest among the groups gnomAD compares: Middle Eastern, 0.016%; no homozygotes.

Submissions (2):

Labcorp Genetics (formerly Invitae), Labcorp
Classification: Uncertain significance for Early-infantile DEE. Last evaluated: 2024-10-17. Review status: criteria provided, single submitter. Criteria: Invitae Variant Classification Sherloc (09022015). Collection method: clinical testing. Allele origin: germline.
Comment: This sequence change replaces glutamic acid, which is acidic and polar, with lysine, which is basic and polar, at codon 853 of the SPTAN1 protein (p.Glu853Lys). This variant is present in population databases (rs771925044, gnomAD 0.003%). This variant has not been reported in the literature in individuals affected with SPTAN1-related conditions. ClinVar contains an entry for this variant (Variation ID: 849192). Invitae Evidence Modeling of protein sequence and biophysical properties (such as structural, functional, and spatial information, amino acid conservation, physicochemical variation, residue mobility, and thermodynamic stability) has been performed for this missense variant. However, the output from this modeling did not meet the statistical confidence thresholds required to predict the impact of this variant on SPTAN1 protein function. In summary, the available evidence is currently insufficient to determine the role of this variant in disease. Therefore, it has been classified as a Variant of Uncertain Significance.

Mayo Clinic Laboratories, Mayo Clinic
Classification: Uncertain significance. Last evaluated: 2023-02-16. Review status: criteria provided, single submitter. Criteria: ACMG Guidelines, 2015. Collection method: clinical testing. Allele origin: germline. Observed: 1 variant allele.
Comment: BS2